The following is an entry in ClinVar:

ClinVar aggregate classification (germline): Uncertain significance. Review status: criteria provided, multiple submitters, no conflicts (2 of 4 stars). 8 submissions from 8 submitters: Uncertain significance (7). 1 of the submissions does not count toward it. Last evaluated 2024-05-31.

Conditions:
Neuronopathy, distal hereditary motor, autosomal recessive 4. Also called: Autosomal recessive lower motor neuron disease with childhood onset; NEUROPATHY, DISTAL HEREDITARY MOTOR, AUTOSOMAL RECESSIVE 4. Identifiers: Orphanet 206580, MedGen C1970211, MONDO:0012608, OMIM 611067.
Inborn genetic diseases. Identifiers: MedGen C0950123, MeSH D030342.
Charcot-Marie-Tooth disease recessive intermediate C. Also called: CHARCOT-MARIE-TOOTH NEUROPATHY, RECESSIVE INTERMEDIATE C. Identifiers: Orphanet 369867, MedGen C3809309, MONDO:0014154, OMIM 615376.
PLEKHG5-related disorder. Also called: PLEKHG5-related condition.

Allele frequency attached by ClinVar (database versions not stated): gnomAD exomes 0.00015 and 0.00023; gnomAD 0.00019 and 0.00021; 1000 Genomes Project 0.00020; ESP Exome Variant Server 0.00023; TOPMed 0.00023; 1000 Genomes Project 30x 0.00031; ExAC 0.00032.

Submissions (8):

GeneDx
Classification: Uncertain significance. Last evaluated: 2024-05-31. Review status: criteria provided, single submitter. Criteria: GeneDx Variant Classification Process June 2021. Collection method: clinical testing. Allele origin: germline. Affected: yes.
Comment: In silico analysis supports that this missense variant has a deleterious effect on protein structure/function; Has not been previously published as pathogenic or benign to our knowledge

Women's Health and Genetics/Laboratory Corporation of America, LabCorp
Classification: Uncertain significance. Last evaluated: 2024-01-31. Review status: criteria provided, single submitter. Criteria: LabCorp Variant Classification Summary - May 2015. Collection method: clinical testing. Allele origin: germline.
Comment: Variant summary: PLEKHG5 c.2575C>T (p.Arg859Cys) results in a non-conservative amino acid change in the encoded protein sequence. Three of five in-silico tools predict a benign effect of the variant on protein function. The variant allele was found at a frequency of 0.00023 in 240396 control chromosomes. This frequency is not significantly higher than estimated for a pathogenic variant in PLEKHG5 causing Distal Spinal Muscular Atrophy, Autosomal Recessive 4 (0.00023 vs 0.0011), allowing no conclusion about variant significance. To our knowledge, no occurrence of c.2575C>T in individuals affected with Distal Spinal Muscular Atrophy, Autosomal Recessive 4 and no experimental evidence demonstrating its impact on protein function have been reported. ClinVar contains an entry for this variant (Variation ID: 655122). Based on the evidence outlined above, the variant was classified as uncertain significance.

Ambry Genetics
Classification: Uncertain significance for Inborn genetic diseases. Last evaluated: 2023-01-09. Review status: criteria provided, single submitter. Criteria: Ambry Variant Classification Scheme 2023. Collection method: clinical testing. Allele origin: germline.

Labcorp Genetics (formerly Invitae), Labcorp
Classification: Uncertain significance for Neuronopathy, distal hereditary motor, autosomal recessive 4; Charcot-Marie-Tooth disease recessive intermediate C. Last evaluated: 2022-07-12. Review status: criteria provided, single submitter. Criteria: Invitae Variant Classification Sherloc (09022015). Collection method: clinical testing. Allele origin: germline.
Comment: This sequence change replaces arginine, which is basic and polar, with cysteine, which is neutral and slightly polar, at codon 859 of the PLEKHG5 protein (p.Arg859Cys). This variant is present in population databases (rs150666859, gnomAD 0.04%). This variant has not been reported in the literature in individuals affected with PLEKHG5-related conditions. ClinVar contains an entry for this variant (Variation ID: 655122). Algorithms developed to predict the effect of missense changes on protein structure and function output the following: SIFT: "Tolerated"; PolyPhen-2: "Benign"; Align-GVGD: "Class C0". The cysteine amino acid residue is found in multiple mammalian species, which suggests that this missense change does not adversely affect protein function. In summary, the available evidence is currently insufficient to determine the role of this variant in disease. Therefore, it has been classified as a Variant of Uncertain Significance.

CeGaT Center for Human Genetics Tuebingen
Classification: Uncertain significance. Last evaluated: 2021-04-01. Review status: criteria provided, single submitter. Criteria: CeGaT Center For Human Genetics Tuebingen Variant Classification Criteria Version 2. Collection method: clinical testing. Allele origin: germline. Affected: yes. Observed: 1 variant allele.

Illumina Laboratory Services, Illumina
Classification: Uncertain significance for Neuronopathy, distal hereditary motor, autosomal recessive 4. Last evaluated: 2018-01-13. Review status: criteria provided, single submitter. Criteria: ICSL Variant Classification Criteria 13 December 2019. Collection method: clinical testing. Allele origin: germline.

Breakthrough Genomics
Classification: Uncertain significance. Review status: criteria provided, single submitter. Criteria: ACMG Guidelines, 2015. Collection method: not provided. Allele origin: germline. Inheritance: Autosomal recessive inheritance. Affected: yes.

PreventionGenetics, part of Exact Sciences
Classification: Uncertain significance for PLEKHG5-related condition. Last evaluated: 2024-06-27. Review status: no assertion criteria provided. Collection method: clinical testing. Allele origin: germline. Not counted in ClinVar's aggregate classification.
Comment: The PLEKHG5 c.2575C>T variant is predicted to result in the amino acid substitution p.Arg859Cys. To our knowledge, this variant has not been reported in the literature. This variant is reported in 0.040% of alleles in individuals of South Asian descent in gnomAD. At this time, the clinical significance of this variant is uncertain due to the absence of conclusive functional and genetic evidence.

NM_020631.6(PLEKHG5):c.2575C>T (p.Arg859Cys)

Gene: PLEKHG5 (pleckstrin homology and RhoGEF domain containing G5; minus strand). Cytogenetic location: 1p36.31.
Variant type: single nucleotide variant.
Coding change: c.2575C>T on transcript NM_020631.6 (MANE Select); coding-DNA position 2575, C replaced by T.
Protein change: p.Arg859Cys; replaces arginine 859 with cysteine.
Molecular consequence: missense variant.
Genome position (GRCh38, 1-based): chr1:6,468,261, G>A on the plus strand (C>T on the coding strand, the complement: PLEKHG5 is on the minus strand). VCF-style: chr1-6468261-G-A. GRCh37 (hg19) VCF-style: chr1-6528321-G-A.
Other names: c.2575C>T, p.Arg859Cys (NM_001042664.2, NM_001042665.2, NM_001265594.3 and 1 more transcripts); c.2686C>T, p.Arg896Cys (NM_001265592.2, NM_001042663.3); c.2782C>T, p.Arg928Cys (NM_001265593.2); short protein forms R859C, R928C, R896C.
Identifiers: ClinVar variation 655122 (VCV000655122.53), dbSNP rs150666859, ClinGen allele CA561131.